The following is an entry in ClinVar:

ClinVar aggregate classification (germline): Uncertain significance (1 of 4 stars; one submission).

gnomAD v4.1: 2 of 1,614,014 alleles (0.00012%); highest among the groups gnomAD compares: South Asian, 0.0022%; no homozygotes.

Submission:

Labcorp Genetics (formerly Invitae), Labcorp
Classification: Uncertain significance. Last evaluated: 2025-08-21. Review status: criteria provided, single submitter. Criteria: Invitae Variant Classification Sherloc (09022015). Collection method: clinical testing. Allele origin: germline.
Comment: This sequence change replaces histidine, which is basic and polar, with glutamine, which is neutral and polar, at codon 462 of the ALDH6A1 protein (p.His462Gln). This variant is not present in population databases (gnomAD no frequency). This variant has not been reported in the literature in individuals affected with ALDH6A1-related conditions. ClinVar contains an entry for this variant (Variation ID: 2009481). Invitae Evidence Modeling of protein sequence and biophysical properties (such as structural, functional, and spatial information, amino acid conservation, physicochemical variation, residue mobility, and thermodynamic stability) indicates that this missense variant is not expected to disrupt ALDH6A1 protein function with a negative predictive value of 95%. In summary, the available evidence is currently insufficient to determine the role of this variant in disease. Therefore, it has been classified as a Variant of Uncertain Significance.

NM_005589.4(ALDH6A1):c.1386C>G (p.His462Gln)

Genes: ALDH6A1 (aldehyde dehydrogenase 6 family member A1; minus strand), BBOF1 (basal body orientation factor 1; plus strand). Cytogenetic location: 14q24.3.
Variant type: single nucleotide variant.
Coding change: c.1386C>G on transcript NM_005589.4 (MANE Select); coding-DNA position 1386, C replaced by G.
Protein change: p.His462Gln; replaces histidine 462 with glutamine.
Molecular consequence: missense variant. On other transcripts: 3 prime UTR variant (1).
Genome position (GRCh38, 1-based): chr14:74,065,199, G>C on the plus strand (C>G on the coding strand, the complement: ALDH6A1 is on the minus strand). VCF-style: chr14-74065199-G-C. GRCh37 (hg19) VCF-style: chr14-74531902-G-C.
Other names: c.1347C>G, p.His449Gln (NM_001278593.2); c.924C>G, p.His308Gln (NM_001278594.2); c.*500G>C (NM_025057.3); short protein forms H462Q, H308Q, H449Q.
Identifiers: ClinVar variation 2009481 (VCV002009481.4), dbSNP rs2060440865, ClinGen allele CA390367287.